The following is an entry in ClinVar:

NM_024675.4(PALB2):c.212-16T>A

Gene: PALB2 (partner and localizer of BRCA2; minus strand). Cytogenetic location: 16p12.2.
Variant type: single nucleotide variant.
Coding change: c.212-16T>A on transcript NM_024675.4 (MANE Select); 16 bases into the intron before coding-DNA position 212, T replaced by A.
Molecular consequence: intron variant.
Genome position (GRCh38, 1-based): chr16:23,636,350, A>T on the plus strand (T>A on the coding strand, the complement: PALB2 is on the minus strand). VCF-style: chr16-23636350-A-T. GRCh37 (hg19) VCF-style: chr16-23647671-A-T.
Other names: c.-674-16T>A (NM_001407308.1, NM_001407306.1, NM_001407307.1 and 5 more transcripts); c.48+4760T>A (NM_001407314.1); c.-105+4760T>A (NM_001407313.1, NM_001407312.1); c.152-16T>A (NM_001407296.1); c.212-16T>A (NM_001407297.1, NM_001407302.1, NM_001407298.1 and 3 more transcripts).
Identifiers: ClinVar variation 3904138 (VCV003904138.1).

ClinVar aggregate classification (germline): Likely benign (1 of 4 stars; one submission).

Conditions:
Familial cancer of breast. Also called: Hereditary breast cancer; hereditary breast carcinoma; BREAST CANCER, FAMILIAL. Identifiers: Orphanet 227535, MedGen C0346153, MONDO:0016419, OMIM 114480. Disease mechanism: loss of function.

Submission:

Myriad Genetics, Inc.
Classification: Likely benign for Familial cancer of breast. Last evaluated: 2025-01-10. Review status: criteria provided, single submitter. Criteria: Myriad Autosomal Dominant, Autosomal Recessive and X-Linked Classification Criteria (2023). Collection method: clinical testing. Allele origin: unknown.
Comment: This variant is considered likely benign. This variant is intronic and is not expected to impact mRNA splicing.